The following is an entry in ClinVar:

NM_004656.4(BAP1):c.931+10G>T

Gene: BAP1 (BRCA1 associated deubiquitinase 1; minus strand). Cytogenetic location: 3p21.1.
Variant type: single nucleotide variant.
Coding change: c.931+10G>T on transcript NM_004656.4 (MANE Select); 10 bases into the intron after coding-DNA position 931, G replaced by T.
Molecular consequence: intron variant.
Genome position (GRCh38, 1-based): chr3:52,405,755, C>A on the plus strand (G>T on the coding strand, the complement: BAP1 is on the minus strand). VCF-style: chr3-52405755-C-A. GRCh37 (hg19) VCF-style: chr3-52439771-C-A.
Other names: c.877+10G>T (NM_001410772.1).
Identifiers: ClinVar variation 3379185 (VCV003379185.3).

ClinVar aggregate classification (germline): Likely benign. Review status: criteria provided, multiple submitters, no conflicts (2 of 4 stars). 2 submissions from 2 submitters: Likely benign (2). Last evaluated 2024-07-15.

Conditions:
BAP1-related tumor predisposition syndrome (TPDS1). Also called: Tumor susceptibility linked to germline BAP1 mutations; BAP1 tumor predisposition syndrome; COMMON Syndrome; TUMOR PREDISPOSITION SYNDROME 1. Identifiers: Orphanet 289539, MedGen C3280492, MONDO:0013692, OMIM 614327.

Submissions (2):

Myriad Genetics, Inc.
Classification: Likely benign for BAP1-related tumor predisposition syndrome. Last evaluated: 2024-07-15. Review status: criteria provided, single submitter. Criteria: Myriad Autosomal Dominant, Autosomal Recessive and X-Linked Classification Criteria (2023). Collection method: clinical testing. Allele origin: unknown.
Comment: This variant is considered likely benign. This variant is intronic and is not expected to impact mRNA splicing.

Labcorp Genetics (formerly Invitae), Labcorp
Classification: Likely benign for BAP1-related tumor predisposition syndrome. Last evaluated: 2024-05-07. Review status: criteria provided, single submitter. Criteria: Invitae Variant Classification Sherloc (09022015). Collection method: clinical testing. Allele origin: germline.